The following is an entry in ClinVar:

NM_000051.4(ATM):c.1280T>C (p.Leu427Ser)

Gene: ATM (ATM serine/threonine kinase; plus strand). Cytogenetic location: 11q22.3.
Variant type: single nucleotide variant.
Coding change: c.1280T>C on transcript NM_000051.4 (MANE Select); coding-DNA position 1280, T replaced by C.
Protein change: p.Leu427Ser; replaces leucine 427 with serine.
Molecular consequence: missense variant.
Genome position (GRCh38, 1-based): chr11:108,250,745, T>C. VCF-style: chr11-108250745-T-C. GRCh37 (hg19) VCF-style: chr11-108121472-T-C.
Other names: c.1280T>C, p.Leu427Ser (NM_001351834.2); short protein forms L427S.
Identifiers: ClinVar variation 1692460 (VCV001692460.4), dbSNP rs2135317116, ClinGen allele CA382533484.

ClinVar aggregate classification (germline): Uncertain significance. Review status: criteria provided, multiple submitters, no conflicts (2 of 4 stars). 3 submissions from 3 submitters: Uncertain significance (3). Last evaluated 2026-03-30.

Conditions:
Hereditary cancer-predisposing syndrome. Also called: Hereditary neoplastic syndrome; Tumor predisposition; Neoplastic Syndromes, Hereditary; Hereditary Cancer Syndrome. Identifiers: Orphanet 140162, MedGen C0027672, MeSH D009386, MONDO:0015356.
Ataxia-telangiectasia syndrome (AT). Also called: Ataxia telangiectasia (A-T); LOUIS-BAR SYNDROME; Cerebello-oculocutaneous telangiectasia; Immunodeficiency with ataxia telangiectasia; Ataxia-telangiectasia, complementation group D; AT, COMPLEMENTATION GROUP C. Identifiers: Orphanet 100, MedGen C0004135, MONDO:0008840, OMIM 208900.

Submissions (3):

Women's Health and Genetics/Laboratory Corporation of America, LabCorp
Classification: Uncertain significance. Last evaluated: 2026-03-30. Review status: criteria provided, single submitter. Criteria: LabCorp Variant Classification Summary - May 2015. Collection method: clinical testing. Allele origin: germline.
Comment: Variant summary: ATM c.1280T>C (p.Leu427Ser) results in a non-conservative amino acid change in the encoded protein sequence. Algorithms developed to predict the effect of missense changes on protein structure and function are either unavailable or do not agree on the potential impact of this missense change. The variant was absent in 249334 control chromosomes. The available data on variant occurrences in the general population are insufficient to allow any conclusion about variant significance. To our knowledge, no occurrence of c.1280T>C in individuals affected with ATM-related conditions and no experimental evidence demonstrating its impact on protein function have been reported. ClinVar contains an entry for this variant (Variation ID: 1692460). Based on the evidence outlined above, the variant was classified as uncertain significance.

Labcorp Genetics (formerly Invitae), Labcorp
Classification: Uncertain significance for Ataxia-telangiectasia syndrome. Last evaluated: 2025-01-13. Review status: criteria provided, single submitter. Criteria: Invitae Variant Classification Sherloc (09022015). Collection method: clinical testing. Allele origin: germline.
Comment: This sequence change replaces leucine, which is neutral and non-polar, with serine, which is neutral and polar, at codon 427 of the ATM protein (p.Leu427Ser). This variant is not present in population databases (gnomAD no frequency). This variant has not been reported in the literature in individuals affected with ATM-related conditions. ClinVar contains an entry for this variant (Variation ID: 1692460). Invitae Evidence Modeling of protein sequence and biophysical properties (such as structural, functional, and spatial information, amino acid conservation, physicochemical variation, residue mobility, and thermodynamic stability) indicates that this missense variant is not expected to disrupt ATM protein function with a negative predictive value of 95%. In summary, the available evidence is currently insufficient to determine the role of this variant in disease. Therefore, it has been classified as a Variant of Uncertain Significance.

Sema4
Classification: Uncertain significance for Hereditary cancer-predisposing syndrome. Last evaluated: 2021-10-19. Review status: criteria provided, single submitter. Criteria: Sema4 Curation Guidelines. Collection method: curation. Allele origin: germline.
Comment: The ATM c.1280T>C (p.L427S) variant has not been reported in the literature to our knowledge. It was not observed in the large and broad cohorts of the Genome Aggregation Database (PMID: 32461654), nor has it been reported in ClinVar. Functional studies have not been performed, and in silico predictions of the variant's effect on protein function are inconclusive. The evidence is insufficient to meet ACMG/AMP criteria for classifying the variant as benign or pathogenic. Thus, the clinical significance of this variant is currently uncertain.